The following is an entry in ClinVar:

ClinVar aggregate classification (germline): Uncertain significance (1 of 4 stars; one submission).

Conditions:
Acid sphingomyelinase deficiency. Identifiers: Orphanet 618899, MedGen C5243927, MONDO:0100464.

Submission:

Myriad Genetics, Inc.
Classification: Uncertain significance for Acid sphingomyelinase deficiency. Last evaluated: 2025-09-19. Review status: criteria provided, single submitter. Criteria: Myriad Autosomal Dominant, Autosomal Recessive and X-Linked Classification Criteria (2023). Collection method: clinical testing. Allele origin: unknown.
Comment: NM_000543.4(SMPD1):c.905C>T(T302I) is a missense variant classified as a variant of uncertain significance in the context of Niemann-Pick disease, SMPD1-related. T302I has not been observed in cases with relevant disease. Relevant functional assessments of this variant are not available in the literature. T302I has not been observed in referenced population frequency databases. In summary, there is insufficient evidence to classify NM_000543.4(SMPD1):c.905C>T(T302I) as pathogenic or benign. Please note: this variant was assessed in the context of healthy population screening.

NM_000543.5(SMPD1):c.905C>T (p.Thr302Ile)

Gene: SMPD1 (sphingomyelin phosphodiesterase 1; plus strand). Cytogenetic location: 11p15.4.
Variant type: single nucleotide variant.
Coding change: c.905C>T on transcript NM_000543.5 (MANE Select); coding-DNA position 905, C replaced by T.
Protein change: p.Thr302Ile; replaces threonine 302 with isoleucine.
Molecular consequence: missense variant. On other transcripts: 5 prime UTR variant (1), non-coding transcript variant (1).
Genome position (GRCh38, 1-based): chr11:6,391,970, C>T. VCF-style: chr11-6391970-C-T. GRCh37 (hg19) VCF-style: chr11-6413200-C-T.
Other names: c.902C>T, p.Thr301Ile (NM_001007593.3); c.905C>T, p.Thr302Ile (NM_001318087.2, NM_001365135.2); c.-57C>T (NM_001318088.2); short protein forms T301I, T302I.
Identifiers: ClinVar variation 5003872 (VCV005003872.1).